The following is an entry in ClinVar:

ClinVar aggregate classification (germline): Benign. Review status: criteria provided, multiple submitters, no conflicts (2 of 4 stars). 3 submissions from 3 submitters: Benign (3). Last evaluated 2018-07-17.

Conditions:
Hereditary spastic paraplegia 35. Also called: Spastic paraplegia 35; SPASTIC PARAPLEGIA 35, AUTOSOMAL RECESSIVE, WITH OR WITHOUT NEURODEGENERATION; LEUKODYSTROPHY, DYSMYELINATING, AND SPASTIC PARAPARESIS WITH OR WITHOUT DYSTONIA; Spastic paraplegia 35, autosomal recessive. Identifiers: Orphanet 171629, MedGen C3496228, MONDO:0012866, OMIM 612319.

Allele frequency attached by ClinVar (database versions not stated): gnomAD 0.06058; 1000 Genomes Project 0.06270; TOPMed 0.06812; 1000 Genomes Project 30x 0.06964.
gnomAD v4.1: 13,528 of 432,770 alleles (3.1%); highest among the groups gnomAD compares: African/African-American, 21%; 1,071 homozygotes.

Submissions (3):

GeneDx
Classification: Benign. Last evaluated: 2018-07-17. Review status: criteria provided, single submitter. Criteria: GeneDx Variant Classification Process June 2021. Collection method: clinical testing. Allele origin: germline. Affected: yes.

Illumina Laboratory Services, Illumina
Classification: Benign for Hereditary spastic paraplegia 35. Last evaluated: 2018-01-12. Review status: criteria provided, single submitter. Criteria: ICSL Variant Classification Criteria 13 December 2019. Collection method: clinical testing. Allele origin: germline.
Comment: This variant was observed in the ICSL laboratory as part of a predisposition screen in an ostensibly healthy population. It had not been previously curated by ICSL or reported in the Human Gene Mutation Database (HGMD: prior to June 1st, 2018), and was therefore a candidate for classification through an automated scoring system. Utilizing variant allele frequency, disease prevalence and penetrance estimates, and inheritance mode, an automated score was calculated to assess if this variant is too frequent to cause the disease. Based on the score and internal cut-off values, a variant classified as benign is not then subjected to further curation. The score for this variant resulted in a classification of benign for this disease.

Breakthrough Genomics
Classification: Benign. Review status: criteria provided, single submitter. Criteria: ACMG Guidelines, 2015. Collection method: not provided. Allele origin: germline. Inheritance: Autosomal recessive inheritance. Affected: yes.

NM_024306.5(FA2H):c.*283G>C

Gene: FA2H (fatty acid 2-hydroxylase; minus strand). Cytogenetic location: 16q23.1.
Variant type: single nucleotide variant.
Coding change: c.*283G>C on transcript NM_024306.5 (MANE Select); 283 bases downstream of the stop codon, G replaced by C.
Molecular consequence: 3 prime UTR variant.
Genome position (GRCh38, 1-based): chr16:74,713,907, C>G on the plus strand (G>C on the coding strand, the complement: FA2H is on the minus strand). VCF-style: chr16-74713907-C-G. GRCh37 (hg19) VCF-style: chr16-74747805-C-G.
Identifiers: ClinVar variation 320484 (VCV000320484.9), dbSNP rs80215625, ClinGen allele CA10648937.